The following is an entry in ClinVar:

ClinVar aggregate classification (germline): Conflicting classifications of pathogenicity. Review status: criteria provided, conflicting classifications (1 of 4 stars). 3 submissions from 3 submitters: Uncertain significance (1); Likely benign (2). Last evaluated 2026-01-06.

Conditions:
Inborn genetic diseases. Identifiers: MedGen C0950123, MeSH D030342.
Ehlers-Danlos syndrome, musculocontractural type 2 (EDSMC2). Identifiers: Orphanet 2953, MedGen C3809845, MONDO:0014236, OMIM 615539.

Allele frequency attached by ClinVar (database versions not stated): gnomAD 0.00008 and 0.00015; gnomAD exomes 0.00011 and 0.00032; TOPMed 0.00017; ExAC 0.00039; 1000 Genomes Project 30x 0.00141; 1000 Genomes Project 0.00160.

Submissions (3):

Labcorp Genetics (formerly Invitae), Labcorp
Classification: Likely benign for Ehlers-Danlos syndrome, musculocontractural type 2. Last evaluated: 2026-01-06. Review status: criteria provided, single submitter. Criteria: Invitae Variant Classification Sherloc (09022015). Collection method: clinical testing. Allele origin: germline.

Women's Health and Genetics/Laboratory Corporation of America, LabCorp
Classification: Likely benign. Last evaluated: 2025-05-14. Review status: criteria provided, single submitter. Criteria: LabCorp Variant Classification Summary - May 2015. Collection method: clinical testing. Allele origin: germline.
Comment: Variant summary: DSE c.1381G>A (p.Ala461Thr) results in a non-conservative amino acid change in the encoded protein sequence. Algorithms developed to predict the effect of missense changes on protein structure and function are either unavailable or do not agree on the potential impact of this missense change. The variant allele was found at a frequency of 0.00032 in 251306 control chromosomes, predominantly at a frequency of 0.0042 within the East Asian subpopulation in the gnomAD database. The observed variant frequency within East Asian control individuals in the gnomAD database is approximately 3.76 fold of the estimated maximal expected allele frequency for a pathogenic variant in DSE causing Ehlers-Danlos syndrome, musculocontractural type 2 phenotype (0.0011). To our knowledge, no occurrence of c.1381G>A in individuals affected with Ehlers-Danlos syndrome, musculocontractural type 2 and no experimental evidence demonstrating its impact on protein function have been reported. ClinVar contains an entry for this variant (Variation ID: 752550). Based on the evidence outlined above, the variant was classified as likely benign.

Ambry Genetics
Classification: Uncertain significance for Inborn genetic diseases. Last evaluated: 2023-02-28. Review status: criteria provided, single submitter. Criteria: Ambry Variant Classification Scheme 2023. Collection method: clinical testing. Allele origin: germline.

NM_013352.4(DSE):c.1381G>A (p.Ala461Thr)

Gene: DSE (dermatan sulfate epimerase; plus strand). Cytogenetic location: 6q22.1.
Variant type: single nucleotide variant.
Coding change: c.1381G>A on transcript NM_013352.4 (MANE Select); coding-DNA position 1381, G replaced by A.
Protein change: p.Ala461Thr; replaces alanine 461 with threonine.
Molecular consequence: missense variant. On other transcripts: 3 prime UTR variant (2), non-coding transcript variant (1).
Genome position (GRCh38, 1-based): chr6:116,435,849, G>A. VCF-style: chr6-116435849-G-A. GRCh37 (hg19) VCF-style: chr6-116757012-G-A.
Other names: c.1381G>A, p.Ala461Thr (NM_001080976.3, NM_001322937.2, NM_001322938.2); c.1438G>A, p.Ala480Thr (NM_001322939.2); c.820G>A, p.Ala274Thr (NM_001322940.2, NM_001322941.2); c.*246G>A (NM_001322943.2, NM_001322944.2); c.382G>A, p.Ala128Thr (NM_001374520.1); c.346G>A, p.Ala116Thr (NM_001374521.1); c.1381G>A (NM_013352.2); short protein forms A461T, A480T, A116T, A274T, A128T.
Identifiers: ClinVar variation 752550 (VCV000752550.13), dbSNP rs181711422, ClinGen allele CA3969659.